The following is an entry in ClinVar:

NM_001430.5(EPAS1):c.229A>G (p.Asn77Asp)

Gene: EPAS1 (endothelial PAS domain protein 1; plus strand). Cytogenetic location: 2p21.
Variant type: single nucleotide variant.
Coding change: c.229A>G on transcript NM_001430.5 (MANE Select); coding-DNA position 229, A replaced by G.
Protein change: p.Asn77Asp; replaces asparagine 77 with aspartic acid.
Molecular consequence: missense variant.
Genome position (GRCh38, 1-based): chr2:46,356,162, A>G. VCF-style: chr2-46356162-A-G. GRCh37 (hg19) VCF-style: chr2-46583301-A-G.
Other names: short protein forms N77D.
Identifiers: ClinVar variation 3508921 (VCV003508921.1).

ClinVar aggregate classification (germline): Uncertain significance (1 of 4 stars; one submission).

Conditions:
Inborn genetic diseases. Identifiers: MedGen C0950123, MeSH D030342.

gnomAD v4.1: 1 of 1,501,116 alleles (0.000067%); highest among the groups gnomAD compares: East Asian, 0.0023%; no homozygotes.

Submission:

Ambry Genetics
Classification: Uncertain significance for Inborn genetic diseases. Last evaluated: 2024-08-19. Review status: criteria provided, single submitter. Criteria: Ambry Variant Classification Scheme 2023. Collection method: clinical testing. Allele origin: germline.
Comment: The p.N77D variant (also known as c.229A>G), located in coding exon 3 of the EPAS1 gene, results from an A to G substitution at nucleotide position 229. The asparagine at codon 77 is replaced by aspartic acid, an amino acid with highly similar properties. This amino acid position is conserved. In addition, this alteration is predicted to be tolerated by in silico analysis. Based on the available evidence, the clinical significance of this variant remains unclear.